The following is an entry in ClinVar:

NM_003743.5(NCOA1):c.*7T>C

Gene: NCOA1 (nuclear receptor coactivator 1; plus strand). Cytogenetic location: 2p23.3.
Variant type: single nucleotide variant.
Coding change: c.*7T>C on transcript NM_003743.5 (MANE Select); 7 bases downstream of the stop codon, T replaced by C.
Molecular consequence: 3 prime UTR variant.
Genome position (GRCh38, 1-based): chr2:24,768,398, T>C. VCF-style: chr2-24768398-T-C. GRCh37 (hg19) VCF-style: chr2-24991267-T-C.
Other names: c.*190T>C (NM_001362950.1, NM_001362952.1, NM_001362955.1 and 1 more transcripts); c.*187T>C (NM_001362954.1); c.*7T>C (NM_147233.2).
Identifiers: ClinVar variation 4989209 (VCV004989209.1).

ClinVar aggregate classification (germline): Likely benign (1 of 4 stars; one submission).

Conditions:
NCOA1-related disorder. Also called: NCOA1-related condition.

gnomAD v4.1: 28 of 1,577,358 alleles (0.0018%); highest among the groups gnomAD compares: Non-Finnish European, 0.0023%; no homozygotes.

Submission:

PreventionGenetics, part of Exact Sciences
Classification: Likely benign for NCOA1-related condition. Last evaluated: 2025-04-27. Review status: criteria provided, single submitter. Criteria: ACMG Guidelines, 2015. Collection method: clinical testing. Allele origin: germline.
Comment: This variant is classified as likely benign based on ACMG/AMP sequence variant interpretation guidelines (Richards et al. 2015 PMID: 25741868, with internal and published modifications).